The following is an entry in ClinVar:

ClinVar aggregate classification (germline): Uncertain significance (1 of 4 stars; one submission).

Allele frequency attached by ClinVar (database versions not stated): gnomAD 0.00001; gnomAD exomes 0.00001; TOPMed 0.00001.

Submission:

ARUP Laboratories, Molecular Genetics and Genomics, ARUP Laboratories
Classification: Uncertain significance. Last evaluated: 2017-12-20. Review status: criteria provided, single submitter. Criteria: ARUP Molecular Germline Variant Investigation Process. Collection method: clinical testing. Allele origin: germline.
Comment: The p.Gly65Ser variant has not been reported in the medical literature, gene specific variation databases, nor has it been previously identified by our laboratory. This variant is listed in the Genome Aggregation Database (gnomAD) identified on a single chromosome out of 30,904. The glycine at position 65 is weakly conserved considering 11 species (Alamut v2.10) and computational analyses of the p.Gly65Ser variant on protein structure and function indicate a neutral effect (SIFT: tolerated, MutationTaster: polymorphism, PolyPhen-2: benign). Altogether, there is not enough evidence to classify the p.Gly65Ser variant with certainty.

NM_005138.3(SCO2):c.193G>A (p.Gly65Ser)

Genes: NCAPH2 (non-SMC condensin II complex subunit H2; plus strand), SCO2 (synthesis of cytochrome C oxidase 2; minus strand). Cytogenetic location: 22q13.33.
Variant type: single nucleotide variant.
Coding change: c.193G>A on transcript NM_005138.3 (MANE Select); coding-DNA position 193, G replaced by A.
Protein change: p.Gly65Ser; replaces glycine 65 with serine.
Molecular consequence: missense variant. On other transcripts: 3 prime UTR variant (2).
Genome position (GRCh38, 1-based): chr22:50,524,219, C>T on the plus strand (G>A on the coding strand, the complement: SCO2 is on the minus strand). VCF-style: chr22-50524219-C-T. GRCh37 (hg19) VCF-style: chr22-50962648-C-T.
Other names: c.*844C>T (NM_001185011.2, NM_152299.4); c.193G>A, p.Gly65Ser (NM_001169109.2, NM_001169110.1, NM_001169111.2); short protein forms G65S.
Identifiers: ClinVar variation 618870 (VCV000618870.8), dbSNP rs1268301469, ClinGen allele CA412193724.